The following is an entry in ClinVar:

NM_032638.5(GATA2):c.1032A>G (p.Arg344=)

Gene: GATA2 (GATA binding protein 2; minus strand). Cytogenetic location: 3q21.3.
Variant type: single nucleotide variant.
Coding change: c.1032A>G on transcript NM_032638.5 (MANE Select); coding-DNA position 1032, A replaced by G.
Protein change: p.Arg344=; no amino-acid change (arginine 344 retained).
Molecular consequence: synonymous variant. On other transcripts: intron variant (1).
Genome position (GRCh38, 1-based): chr3:128,481,930, T>C on the plus strand (A>G on the coding strand, the complement: GATA2 is on the minus strand). VCF-style: chr3-128481930-T-C. GRCh37 (hg19) VCF-style: chr3-128200773-T-C.
Other names: c.1032A>G (NM_032638.4); c.1032A>G, p.Arg344= (NM_001145661.2); c.1018-28A>G (NM_001145662.1).
Identifiers: ClinVar variation 1077570 (VCV001077570.11), dbSNP rs2068635192, ClinGen allele CA435525614.
Genomic context (GRCh38, chr3:128,481,930, plus strand): 5'-GGCGTTTCGGCGCCATAAGGTGGTGGTTGTCGTCTGACAATTTGCACAACAGGTGCCGGC[T>C]CTTCTGGCGGCCGACTGGGAGGGCAAGGCAGCGTCAGCAGGCTGGACTCCCACGCCCACC-3'
Protein context (NP_116027.2, residues 334-354): KPKRRLSAAR[Arg344=]AGTCCANCQT

ClinVar aggregate classification (germline): Conflicting classifications of pathogenicity. Review status: criteria provided, conflicting classifications (1 of 4 stars). 3 submissions from 3 submitters: Uncertain significance (1); Likely benign (2). Last evaluated 2024-12-29.

Conditions:
Monocytopenia with susceptibility to infections. Also called: MONOCYTOPENIA AND MYCOBACTERIAL INFECTION SYNDROME; MONOCYTOPENIA WITH SUSCEPTIBILITY TO MYCOBACTERIAL, FUNGAL, AND PAPILLOMAVIRUS INFECTIONS AND MYELODYSPLASIA; COMBINED IMMUNODEFICIENCY WITH SUSCEPTIBILITY TO MYCOBACTERIAL, VIRAL, AND FUNGAL INFECTIONS; Dendritic cell, monocyte, B lymphocyte, and natural killer lymphocyte deficiency; IMMUNODEFICIENCY 21; GATA2 DEFICIENCY. Identifiers: Orphanet 228423, MedGen C3280030, MONDO:0013607, OMIM 614172.
Deafness-lymphedema-leukemia syndrome. Also called: Emberger syndrome; Lymphedema, primary, with myelodysplasia. Identifiers: Orphanet 3226, MedGen C3279664, MONDO:0013540, OMIM 614038.
Inborn genetic diseases. Identifiers: MedGen C0950123, MeSH D030342.

Allele frequency attached by ClinVar (database versions not stated): TOPMed 0.00002.

Submissions (3):

Ambry Genetics
Classification: Likely benign for Inborn genetic diseases. Last evaluated: 2024-12-29. Review status: criteria provided, single submitter. Criteria: Ambry Variant Classification Scheme 2023. Collection method: clinical testing. Allele origin: germline.

Labcorp Genetics (formerly Invitae), Labcorp
Classification: Likely benign for Monocytopenia with susceptibility to infections; Deafness-lymphedema-leukemia syndrome. Last evaluated: 2024-04-25. Review status: criteria provided, single submitter. Criteria: Invitae Variant Classification Sherloc (09022015). Collection method: clinical testing. Allele origin: germline.

GeneDx
Classification: Uncertain significance. Last evaluated: 2023-11-01. Review status: criteria provided, single submitter. Criteria: GeneDx Variant Classification Process June 2021. Collection method: clinical testing. Allele origin: germline. Affected: yes.
Comment: Not observed at significant frequency in large population cohorts (gnomAD); In silico analysis supports that this variant does not alter splicing; Has not been previously published as pathogenic or benign to our knowledge